The following is an entry in ClinVar:

ClinVar aggregate classification (germline): Likely pathogenic (1 of 4 stars; one submission).

Conditions:
Rare genetic deafness. Identifiers: Orphanet 96210, MedGen C5680250.

Allele frequency attached by ClinVar (database versions not stated): ExAC 0.00001; gnomAD 0.00001; gnomAD exomes 0.00001; TOPMed 0.00001.
gnomAD v4.1: 14 of 1,593,182 alleles (0.00088%); highest among the groups gnomAD compares: Admixed American, 0.0035%; no homozygotes.

Submission:

Laboratory for Molecular Medicine, Mass General Brigham Personalized Medicine
Classification: Likely pathogenic for Rare genetic deafness. Last evaluated: 2018-08-08. Review status: criteria provided, single submitter. Criteria: LMM Criteria. Collection method: clinical testing. Allele origin: germline. Inheritance: Autosomal recessive inheritance. Observed: 1 variant allele.
Comment: The p.Arg174X variant in CDC14A has not been previously reported in individuals with hearing impairment and infertile male syndrome (HIIMS). This variant has be en identified in 1/27906 South Asian chromosomes by the Genome Aggregation Datab ase (gnomAD; dbSNP rs765155697). This nonsense variant leads to a premature termination codon at position 174, which is predic ted to lead to a truncated or absent protein. Loss of function of the CDC14A gen e has been associated with autosomal recessive HIIMS. The presence of this varia nt in homozygous state in this patient increases the likelihood that the p.Arg17 4X variant is pathogenic. In summary, although additional studies are required t o fully establish its clinical significance, the p.Arg174X variant is likely pat hogenic. ACMG/AMP criteria applied: PVS1_Strong, PM3_Supporting, PM2.

NM_003672.4(CDC14A):c.520C>T (p.Arg174Ter)

Gene: CDC14A (cell division cycle 14A; plus strand). Cytogenetic location: 1p21.2.
Variant type: single nucleotide variant.
Coding change: c.520C>T on transcript NM_003672.4 (MANE Select); coding-DNA position 520, C replaced by T.
Protein change: p.Arg174Ter; replaces arginine 174 with a stop codon.
Molecular consequence: nonsense. On other transcripts: intron variant (1).
Genome position (GRCh38, 1-based): chr1:100,455,405, C>T. VCF-style: chr1-100455405-C-T. GRCh37 (hg19) VCF-style: chr1-100920961-C-T.
Other names: c.520C>T, p.Arg174Ter (NM_001319210.2, NM_033312.3, NM_033313.3); c.346C>T, p.Arg116Ter (NM_001319211.2); c.-272-7246C>T (NM_001319212.2); short protein forms R116*, R174*.
Identifiers: ClinVar variation 667367 (VCV000667367.4), dbSNP rs765155697, ClinGen allele CA970623.
Genomic context (GRCh38, chr1:100,455,405, plus strand): 5'-CCTAAATTGTATAAGAATTATAAAATATTTTTCTTCTCTTTTCTTACAAAATTCTGCCAG[C>T]GAGTTGAAAATGGTGACTTCAACTGGATTGTTCCAGGAAAATTTTTAGCATTTAGTGGAC-3'